The following is an entry in ClinVar:

ClinVar aggregate classification (germline): Uncertain significance (1 of 4 stars; one submission).

Conditions:
RASopathy. Also called: rasopathies; Noonan spectrum disorder. Identifiers: Orphanet 536391, MedGen C5555857, MONDO:0021060.

Submission:

Labcorp Genetics (formerly Invitae), Labcorp
Classification: Uncertain significance for RASopathy. Last evaluated: 2024-03-18. Review status: criteria provided, single submitter. Criteria: Invitae Variant Classification Sherloc (09022015). Collection method: clinical testing. Allele origin: germline.
Comment: This sequence change replaces aspartic acid, which is acidic and polar, with glutamic acid, which is acidic and polar, at codon 69 of the MAP2K2 protein (p.Asp69Glu). This variant is present in population databases (rs199850535, gnomAD 0.002%). This variant has not been reported in the literature in individuals affected with MAP2K2-related conditions. Advanced modeling of protein sequence and biophysical properties (such as structural, functional, and spatial information, amino acid conservation, physicochemical variation, residue mobility, and thermodynamic stability) has been performed at Invitae for this missense variant, however the output from this modeling did not meet the statistical confidence thresholds required to predict the impact of this variant on MAP2K2 protein function. In summary, the available evidence is currently insufficient to determine the role of this variant in disease. Therefore, it has been classified as a Variant of Uncertain Significance.

NM_030662.4(MAP2K2):c.207C>A (p.Asp69Glu)

Gene: MAP2K2 (mitogen-activated protein kinase kinase 2; minus strand). Cytogenetic location: 19p13.3.
Variant type: single nucleotide variant.
Coding change: c.207C>A on transcript NM_030662.4 (MANE Select); coding-DNA position 207, C replaced by A.
Protein change: p.Asp69Glu; replaces aspartic acid 69 with glutamic acid.
Molecular consequence: missense variant.
Genome position (GRCh38, 1-based): chr19:4,117,515, G>T on the plus strand (C>A on the coding strand, the complement: MAP2K2 is on the minus strand). VCF-style: chr19-4117515-G-T. GRCh37 (hg19) VCF-style: chr19-4117513-G-T.
Other names: short protein forms D69E.
Identifiers: ClinVar variation 3730089 (VCV003730089.2).